The following is an entry in ClinVar:

ClinVar aggregate classification (germline): Uncertain significance (1 of 4 stars; one submission).

Conditions:
Juvenile polyposis syndrome (JPS). Identifiers: Orphanet 2929, MedGen C0345893, MONDO:0017380, OMIM 174900.

Submission:

Labcorp Genetics (formerly Invitae), Labcorp
Classification: Uncertain significance for Juvenile polyposis syndrome. Last evaluated: 2019-03-20. Review status: criteria provided, single submitter. Criteria: Invitae Variant Classification Sherloc (09022015). Collection method: clinical testing. Allele origin: germline.
Comment: This variant has not been reported in the literature in individuals with SMAD4-related conditions. This variant is not present in population databases (ExAC no frequency). This sequence change replaces threonine with alanine at codon 273 of the SMAD4 protein (p.Thr273Ala). The threonine residue is moderately conserved and there is a small physicochemical difference between threonine and alanine. Algorithms developed to predict the effect of missense changes on protein structure and function (SIFT, PolyPhen-2, Align-GVGD) all suggest that this variant is likely to be tolerated, but these predictions have not been confirmed by published functional studies and their clinical significance is uncertain. In summary, the available evidence is currently insufficient to determine the role of this variant in disease. Therefore, it has been classified as a Variant of Uncertain Significance.

NM_005359.6(SMAD4):c.817A>G (p.Thr273Ala)

Gene: SMAD4 (SMAD family member 4; plus strand). Cytogenetic location: 18q21.2.
Variant type: single nucleotide variant.
Coding change: c.817A>G on transcript NM_005359.6 (MANE Select); coding-DNA position 817, A replaced by G.
Protein change: p.Thr273Ala; replaces threonine 273 with alanine.
Molecular consequence: missense variant.
Genome position (GRCh38, 1-based): chr18:51,058,369, A>G. VCF-style: chr18-51058369-A-G. GRCh37 (hg19) VCF-style: chr18-48584739-A-G.
Other names: short protein forms T273A.
Identifiers: ClinVar variation 837448 (VCV000837448.9), dbSNP rs1909900343, ClinGen allele CA402463366.
Genomic context (GRCh38, chr18:51,058,369, plus strand): 5'-CAAATTAACCCATGTGGGCCTTAATTTTTAGACAGCACTACCACCTGGACTGGAAGTAGG[A>G]CTGCACCATACACACCTAATTTGCCTCACCACCAAAACGGCCATCTTCAGCACCACCCGC-3'
Protein context (NP_005350.1, residues 263-283): NSTTTWTGSR[Thr273Ala]APYTPNLPHH